The following is an entry in ClinVar:

NM_017777.4(MKS1):c.994G>A (p.Val332Ile)

Gene: MKS1 (MKS transition zone complex subunit 1; minus strand). Cytogenetic location: 17q22.
Variant type: single nucleotide variant.
Coding change: c.994G>A on transcript NM_017777.4 (MANE Select); coding-DNA position 994, G replaced by A.
Protein change: p.Val332Ile; replaces valine 332 with isoleucine.
Molecular consequence: missense variant.
Genome position (GRCh38, 1-based): chr17:58,210,689, C>T on the plus strand (G>A on the coding strand, the complement: MKS1 is on the minus strand). VCF-style: chr17-58210689-C-T. GRCh37 (hg19) VCF-style: chr17-56288050-C-T.
Other names: c.385G>A, p.Val129Ile (NM_001321268.2); c.994G>A, p.Val332Ile (NM_001321269.2, NM_001330397.2); short protein forms V332I, V129I.
Identifiers: ClinVar variation 193905 (VCV000193905.13), dbSNP rs775391594, ClinGen allele CA239612.

ClinVar aggregate classification (germline): Uncertain significance. Review status: criteria provided, multiple submitters, no conflicts (2 of 4 stars). 5 submissions from 5 submitters: Uncertain significance (4). 1 of the submissions does not count toward it. Last evaluated 2026-04-28.

Conditions:
MKS1-related disorder. Also called: MKS1-related condition; MKS1-related disorders. Identifiers: MedGen CN239382.
Meckel syndrome, type 1 (MKS1). Also called: MECKEL-GRUBER SYNDROME, TYPE 1. Identifiers: Orphanet 564, MedGen C3714506, MONDO:0009571, OMIM 249000.
Bardet-Biedl syndrome 13 (BBS13). Identifiers: Orphanet 110, MedGen C2673873, MONDO:0014441, OMIM 615990.
Joubert syndrome 28 (JBTS28). Identifiers: MedGen C4310705, MONDO:0014928, OMIM 617121.
Joubert syndrome. Also called: Familial aplasia of the vermis; JOUBERT-BOLTSHAUSER SYNDROME. Identifiers: Orphanet 475, MedGen C5979921, MONDO:0018772.
Meckel-Gruber syndrome. Also called: GRUBER SYNDROME; Dysencephalia splachnocystica; DYSENCEPHALIA SPLANCHNOCYSTICA. Identifiers: Orphanet 564, MedGen C0265215, MONDO:0018921.

Allele frequency attached by ClinVar (database versions not stated): TOPMed 0.00006; gnomAD exomes 0.00007; ExAC 0.00008.
gnomAD v4.1: 106 of 1,614,062 alleles (0.0066%); highest among the groups gnomAD compares: South Asian, 0.036%; no homozygotes.

Submissions (5):

PreventionGenetics, part of Exact Sciences
Classification: Uncertain significance for MKS1-related condition. Last evaluated: 2026-04-28. Review status: criteria provided, single submitter. Criteria: ACMG Guidelines, 2015. Collection method: clinical testing. Allele origin: germline.
Comment: The MKS1 c.994G>A variant is predicted to result in the amino acid substitution p.Val332Ile. To our knowledge, this variant has not been reported in the literature. This variant is reported in 0.039% of alleles in individuals of South Asian descent in gnomAD. At this time, the clinical significance of this variant is uncertain due to the absence of conclusive functional and genetic evidence.

Labcorp Genetics (formerly Invitae), Labcorp
Classification: Uncertain significance for Joubert syndrome; Meckel-Gruber syndrome. Last evaluated: 2024-05-15. Review status: criteria provided, single submitter. Criteria: Invitae Variant Classification Sherloc (09022015). Collection method: clinical testing. Allele origin: germline.
Comment: This sequence change replaces valine, which is neutral and non-polar, with isoleucine, which is neutral and non-polar, at codon 332 of the MKS1 protein (p.Val332Ile). This variant is present in population databases (rs775391594, gnomAD 0.04%). This variant has not been reported in the literature in individuals affected with MKS1-related conditions. ClinVar contains an entry for this variant (Variation ID: 193905). Advanced modeling of protein sequence and biophysical properties (such as structural, functional, and spatial information, amino acid conservation, physicochemical variation, residue mobility, and thermodynamic stability) performed at Invitae indicates that this missense variant is not expected to disrupt MKS1 protein function with a negative predictive value of 80%. In summary, the available evidence is currently insufficient to determine the role of this variant in disease. Therefore, it has been classified as a Variant of Uncertain Significance.

Fulgent Genetics
Classification: Uncertain significance for Meckel syndrome, type 1; Bardet-Biedl syndrome 13; Joubert syndrome 28. Last evaluated: 2024-04-18. Review status: criteria provided, single submitter. Criteria: ACMG Guidelines, 2015. Collection method: clinical testing. Allele origin: germline.

Eurofins Ntd Llc (ga)
Classification: Uncertain significance. Last evaluated: 2018-01-10. Review status: criteria provided, single submitter. Criteria: EGL Classification Definitions 2015. Collection method: clinical testing. Allele origin: germline. Observed: 3 variant alleles, 3 heterozygotes.

Natera, Inc.
Classification: Uncertain significance for Meckel syndrome type 1. Last evaluated: 2020-01-17. Review status: no assertion criteria provided. Collection method: clinical testing. Allele origin: germline. Not counted in ClinVar's aggregate classification.